The following is an entry in ClinVar:

ClinVar aggregate classification (germline): Pathogenic/Likely pathogenic. Review status: criteria provided, multiple submitters, no conflicts (2 of 4 stars). 2 submissions from 2 submitters: Pathogenic (1); Likely pathogenic (1). Last evaluated 2025-01-09.

Conditions:
Autosomal recessive nonsyndromic hearing loss 42. Identifiers: Orphanet 90636, MedGen C1864818, MONDO:0012326, OMIM 609646.

Submissions (2):

Institute of Rare Diseases, West China Hospital, Sichuan University
Classification: Pathogenic for Autosomal recessive nonsyndromic hearing loss 42. Last evaluated: 2025-01-09. Review status: criteria provided, single submitter. Criteria: ClinGen HL ACMG Specifications v1. Collection method: research. Allele origin: germline. Affected: yes.
Comment: PVS1;PM3_Supporting;PM2_Supporting

Juno Genomics, Hangzhou Juno Genomics, Inc
Classification: Likely pathogenic for Autosomal recessive nonsyndromic hearing loss 42. Review status: criteria provided, single submitter. Criteria: ACMG Guidelines, 2015. Collection method: clinical testing. Allele origin: germline.
Comment: Null variant in a gene where loss of function (LOF) is a known mechanism of disease.;Absent from controls (or at extremely low frequency if recessive) in Genome Aggregation Database.

NM_001199799.2(ILDR1):c.247del (p.Ser83fs)

Gene: ILDR1 (immunoglobulin like domain containing receptor 1; minus strand). Cytogenetic location: 3q13.33.
Variant type: Deletion.
Coding change: c.247del on transcript NM_001199799.2 (MANE Select); coding-DNA position 247, one base deleted (T; older notation c.247delT).
Protein change: p.Ser83fs; shifts the reading frame from serine 83.
Molecular consequence: frameshift variant.
Genome position (GRCh38, 1-based): chr3:122,005,376, A deleted on the plus strand (T on the coding strand, the reverse complement: ILDR1 is on the minus strand). VCF-style (leftmost placement, unchanged base first): chr3-122005375-GA-G. GRCh37 (hg19) VCF-style: chr3-121724222-GA-G.
Other names: c.247del, p.Ser83fs (NM_001199800.2, NM_175924.4); short protein forms S83fs.
Identifiers: ClinVar variation 3601174 (VCV003601174.3).